The following is an entry in ClinVar:

NM_004341.5(CAD):c.6007A>G (p.Lys2003Glu)

Gene: CAD (carbamoyl-phosphate synthetase 2, aspartate transcarbamylase, and dihydroorotase; plus strand). Cytogenetic location: 2p23.3.
Variant type: single nucleotide variant.
Coding change: c.6007A>G on transcript NM_004341.5 (MANE Select); coding-DNA position 6007, A replaced by G.
Protein change: p.Lys2003Glu; replaces lysine 2003 with glutamic acid.
Molecular consequence: missense variant.
Genome position (GRCh38, 1-based): chr2:27,242,034, A>G. VCF-style: chr2-27242034-A-G. GRCh37 (hg19) VCF-style: chr2-27464902-A-G.
Other names: c.5818A>G, p.Lys1940Glu (NM_001306079.2); short protein forms K1940E, K2003E.
Identifiers: ClinVar variation 1511457 (VCV001511457.8), dbSNP rs2148098560, ClinGen allele CA346224104.
Genomic context (GRCh38, chr2:27,242,034, plus strand): 5'-GCCATGGCCCGGCTGGGAGGTGCTGTGCTCAGCTTCTCGGAAGCCACATCGTCCGTCCAG[A>G]AGGGCGAATCCCTGGCTGACTCCGTGCAGACCATGAGCTGCTATGCCGACGTCGTCGTGC-3'
Protein context (NP_004332.2, residues 1993-2013): SFSEATSSVQ[Lys2003Glu]GESLADSVQT

ClinVar aggregate classification (germline): Uncertain significance (1 of 4 stars; one submission).

gnomAD v4.1: 1 of 1,613,370 alleles (0.000062%); highest among the groups gnomAD compares: Non-Finnish European, 0.000085%; no homozygotes.

Submission:

Labcorp Genetics (formerly Invitae), Labcorp
Classification: Uncertain significance. Last evaluated: 2021-04-14. Review status: criteria provided, single submitter. Criteria: Invitae Variant Classification Sherloc (09022015). Collection method: clinical testing. Allele origin: germline.
Comment: In summary, the available evidence is currently insufficient to determine the role of this variant in disease. Therefore, it has been classified as a Variant of Uncertain Significance. Algorithms developed to predict the effect of missense changes on protein structure and function (SIFT, PolyPhen-2, Align-GVGD) all suggest that this variant is likely to be disruptive, but these predictions have not been confirmed by published functional studies and their clinical significance is uncertain. This variant has not been reported in the literature in individuals with CAD-related conditions. This variant is not present in population databases (ExAC no frequency). This sequence change replaces lysine with glutamic acid at codon 2003 of the CAD protein (p.Lys2003Glu). The lysine residue is highly conserved and there is a small physicochemical difference between lysine and glutamic acid.